The following is an entry in ClinVar:

ClinVar aggregate classification (germline): Uncertain significance (1 of 4 stars; one submission).

Submission:

Ambry Genetics
Classification: Uncertain significance. Last evaluated: 2025-08-07. Review status: criteria provided, single submitter. Criteria: Ambry Variant Classification Scheme 2023. Collection method: clinical testing. Allele origin: germline.
Comment: The p.F352L variant (also known as c.1056C>G), located in coding exon 1 of the TET2 gene, results from a C to G substitution at nucleotide position 1056. The phenylalanine at codon 352 is replaced by leucine, an amino acid with highly similar properties. This amino acid position is conserved. In addition, this alteration is predicted to be tolerated by in silico analysis. Based on the available evidence, the clinical significance of this variant remains unclear.

NM_001127208.3(TET2):c.1056C>G (p.Phe352Leu)

Genes: TET2 (tet methylcytosine dioxygenase 2; plus strand), TET2-AS1 (TET2 antisense RNA 1; minus strand). Cytogenetic location: 4q24.
Variant type: single nucleotide variant.
Coding change: c.1056C>G on transcript NM_001127208.3 (MANE Select); coding-DNA position 1056, C replaced by G.
Protein change: p.Phe352Leu; replaces phenylalanine 352 with leucine.
Molecular consequence: missense variant.
Genome position (GRCh38, 1-based): chr4:105,234,998, C>G. VCF-style: chr4-105234998-C-G. GRCh37 (hg19) VCF-style: chr4-106156155-C-G.
Other names: c.1056C>G, p.Phe352Leu (NM_017628.4); short protein forms F352L.
Identifiers: ClinVar variation 4183008 (VCV004183008.1).
Genomic context (GRCh38, chr4:105,234,998, plus strand): 5'-CCCATCTCCTGCAGAAAATAACATCCAGGGAACCACAAAGCTAGCGTCTGGTGAAGAATT[C>G]TGTTCAGGTTCCAGCAGCAATTTGCAAGCTCCTGGTGGCAGCTCTGAACGGTATTTAAAA-3'
Protein context (NP_001120680.1, residues 342-362): GTTKLASGEE[Phe352Leu]CSGSSSNLQA